The following is an entry in ClinVar:

ClinVar aggregate classification (germline): Likely pathogenic (1 of 4 stars; one submission).

Submission:

Mayo Clinic Laboratories, Mayo Clinic
Classification: Likely pathogenic. Last evaluated: 2021-10-20. Review status: criteria provided, single submitter. Criteria: ACMG Guidelines, 2015. Collection method: clinical testing. Allele origin: germline.
Comment: PM2, PVS1

Literature cited by the submitters: PubMed 30192042.

NM_000342.4(SLC4A1):c.1067_1068insT (p.Ser357fs)

Gene: SLC4A1 (solute carrier family 4 member 1 (Diego blood group); minus strand). Cytogenetic location: 17q21.31.
Variant type: Insertion.
Coding change: c.1067_1068insT on transcript NM_000342.4 (MANE Select); coding-DNA positions 1067 to 1068, T inserted.
Protein change: p.Ser357fs; shifts the reading frame from serine 357.
Molecular consequence: frameshift variant.
Genome position: GRCh38 VCF-style: chr17-44258432-G-GA. GRCh37 (hg19) VCF-style: chr17-42335800-G-GA.
Other names: short protein forms S357fs.
Identifiers: ClinVar variation 1705967 (VCV001705967.4), dbSNP rs2509967246, ClinGen allele CA2580093860.